The following is an entry in ClinVar:

NM_006260.5(DNAJC3):c.78C>T (p.Tyr26=)

Gene: DNAJC3 (DnaJ heat shock protein family (Hsp40) member C3; plus strand). Cytogenetic location: 13q32.1.
Variant type: single nucleotide variant.
Coding change: c.78C>T on transcript NM_006260.5 (MANE Select); coding-DNA position 78, C replaced by T.
Protein change: p.Tyr26=; no amino-acid change (tyrosine 26 retained).
Molecular consequence: synonymous variant.
Genome position (GRCh38, 1-based): chr13:95,677,333, C>T. VCF-style: chr13-95677333-C-T. GRCh37 (hg19) VCF-style: chr13-96329587-C-T.
Other names: p.Tyr26=.
Identifiers: ClinVar variation 710813 (VCV000710813.8), dbSNP rs146543814, ClinGen allele CA7021164.

ClinVar aggregate classification (germline): Benign. Review status: criteria provided, multiple submitters, no conflicts (2 of 4 stars). 4 submissions from 4 submitters: Benign (3). 1 of the submissions does not count toward it. Last evaluated 2023-05-04.

Conditions:
DNAJC3-related disorder. Also called: DNAJC3-related condition.

Allele frequency attached by ClinVar (database versions not stated): ExAC 0.00384; 1000 Genomes Project 30x 0.00422; gnomAD 0.00190 and 0.00241; ESP Exome Variant Server 0.00138; TOPMed 0.00195; gnomAD exomes 0.00347 and 0.00389; 1000 Genomes Project 0.00439.
gnomAD v4.1: 5,430 of 1,598,302 alleles (0.34%); highest among the groups gnomAD compares: South Asian, 1.8%; 38 homozygotes.

Submissions (4):

Mayo Clinic Laboratories, Mayo Clinic
Classification: Benign. Last evaluated: 2023-05-04. Review status: criteria provided, single submitter. Criteria: ACMG Guidelines, 2015. Collection method: clinical testing. Allele origin: germline. Observed: 6 variant alleles.
Comment: BS1, BS2, BP4, BP7

Labcorp Genetics (formerly Invitae), Labcorp
Classification: Benign. Last evaluated: 2019-12-31. Review status: criteria provided, single submitter. Criteria: Invitae Variant Classification Sherloc (09022015). Collection method: clinical testing. Allele origin: germline.

Breakthrough Genomics
Classification: Benign. Review status: criteria provided, single submitter. Criteria: ACMG Guidelines, 2015. Collection method: not provided. Allele origin: germline. Inheritance: Autosomal recessive inheritance. Affected: yes.

PreventionGenetics, part of Exact Sciences
Classification: Benign for DNAJC3-related condition. Last evaluated: 2019-08-07. Review status: no assertion criteria provided. Collection method: clinical testing. Allele origin: germline. Not counted in ClinVar's aggregate classification.
Comment: This variant is classified as benign based on ACMG/AMP sequence variant interpretation guidelines (Richards et al. 2015 PMID: 25741868, with internal and published modifications).